The following is an entry in ClinVar:

ClinVar aggregate classification (germline): Uncertain significance. Review status: criteria provided, multiple submitters, no conflicts (2 of 4 stars). 2 submissions from 2 submitters: Uncertain significance (2). Last evaluated 2025-04-08.

Conditions:
Inborn genetic diseases. Identifiers: MedGen C0950123, MeSH D030342.

Allele frequency attached by ClinVar (database versions not stated): gnomAD exomes 0.00003; 1000 Genomes Project 30x 0.00016; 1000 Genomes Project 0.00020; ExAC 0.00004; ESP Exome Variant Server 0.00012.
gnomAD v4.1: 40 of 1,612,720 alleles (0.0025%); highest among the groups gnomAD compares: African/African-American, 0.004%; no homozygotes.

Submissions (2):

Ambry Genetics
Classification: Uncertain significance for Inborn genetic diseases. Last evaluated: 2025-04-08. Review status: criteria provided, single submitter. Criteria: Ambry Variant Classification Scheme 2023. Collection method: clinical testing. Allele origin: germline.

Labcorp Genetics (formerly Invitae), Labcorp
Classification: Uncertain significance. Last evaluated: 2022-03-19. Review status: criteria provided, single submitter. Criteria: Invitae Variant Classification Sherloc (09022015). Collection method: clinical testing. Allele origin: germline.
Comment: This sequence change replaces arginine, which is basic and polar, with glutamine, which is neutral and polar, at codon 1063 of the SKIV2L protein (p.Arg1063Gln). This variant is present in population databases (rs142829063, gnomAD 0.006%). This variant has not been reported in the literature in individuals affected with SKIV2L-related conditions. Algorithms developed to predict the effect of missense changes on protein structure and function output the following: SIFT: "Tolerated"; PolyPhen-2: "Benign"; Align-GVGD: "Class C0". The glutamine amino acid residue is found in multiple mammalian species, which suggests that this missense change does not adversely affect protein function. In summary, the available evidence is currently insufficient to determine the role of this variant in disease. Therefore, it has been classified as a Variant of Uncertain Significance.

NM_006929.5(SKIC2):c.3188G>A (p.Arg1063Gln)

Gene: SKIC2 (SKI2 subunit of superkiller complex; plus strand). Cytogenetic location: 6p21.33.
Variant type: single nucleotide variant.
Coding change: c.3188G>A on transcript NM_006929.5 (MANE Select); coding-DNA position 3188, G replaced by A.
Protein change: p.Arg1063Gln; replaces arginine 1063 with glutamine.
Molecular consequence: missense variant.
Genome position (GRCh38, 1-based): chr6:31,968,878, G>A. VCF-style: chr6-31968878-G-A. GRCh37 (hg19) VCF-style: chr6-31936655-G-A.
Other names: c.3188G>A (NM_006929.4); short protein forms R1063Q.
Identifiers: ClinVar variation 1510804 (VCV001510804.6), dbSNP rs142829063, ClinGen allele CA3730002.